The following is an entry in ClinVar:

ClinVar aggregate classification (germline): Uncertain significance (1 of 4 stars; one submission).

Allele frequency attached by ClinVar (database versions not stated): gnomAD 0.00001; TOPMed 0.00005; gnomAD exomes 0.00007 and 0.00018; ExAC 0.00021.
gnomAD v4.1: 50 of 1,613,944 alleles (0.0031%); highest among the groups gnomAD compares: Admixed American, 0.072%; 1 homozygote.

Submission:

Labcorp Genetics (formerly Invitae), Labcorp
Classification: Uncertain significance. Last evaluated: 2021-05-12. Review status: criteria provided, single submitter. Criteria: Invitae Variant Classification Sherloc (09022015). Collection method: clinical testing. Allele origin: germline.
Comment: In summary, the available evidence is currently insufficient to determine the role of this variant in disease. Therefore, it has been classified as a Variant of Uncertain Significance. Experimental studies and prediction algorithms are not available or were not evaluated, and the functional significance of this variant is currently unknown. This variant has not been reported in the literature in individuals with HTT-related conditions. This variant is present in population databases (rs778618061, ExAC 0.2%). This sequence change replaces proline with serine at codon 682 of the HTT protein (p.Pro682Ser). The proline residue is moderately conserved and there is a moderate physicochemical difference between proline and serine.

NM_001388492.1(HTT):c.2038C>T (p.Pro680Ser)

Gene: HTT (huntingtin; plus strand). Cytogenetic location: 4p16.3.
Variant type: single nucleotide variant.
Coding change: c.2038C>T on transcript NM_001388492.1 (MANE Select); coding-DNA position 2038, C replaced by T.
Protein change: p.Pro680Ser; replaces proline 680 with serine.
Molecular consequence: missense variant.
Genome position (GRCh38, 1-based): chr4:3,131,337, C>T. VCF-style: chr4-3131337-C-T. GRCh37 (hg19) VCF-style: chr4-3133064-C-T.
Other names: c.2044C>T, p.Pro682Ser (NM_002111.8); short protein forms P682S, P680S.
Identifiers: ClinVar variation 1400033 (VCV001400033.6), dbSNP rs778618061, ClinGen allele CA2823719.